The following is an entry in ClinVar:

NM_000260.4(MYO7A):c.6089C>T (p.Thr2030Met)

Gene: MYO7A (myosin VIIA; plus strand). Cytogenetic location: 11q13.5.
Variant type: single nucleotide variant.
Coding change: c.6089C>T on transcript NM_000260.4 (MANE Select); coding-DNA position 6089, C replaced by T.
Protein change: p.Thr2030Met; replaces threonine 2030 with methionine.
Molecular consequence: missense variant.
Genome position (GRCh38, 1-based): chr11:77,211,189, C>T. VCF-style: chr11-77211189-C-T. GRCh37 (hg19) VCF-style: chr11-76922234-C-T.
Other names: c.5975C>T, p.Thr1992Met (NM_001127180.2); c.5942C>T, p.Thr1981Met (NM_001369365.1); short protein forms T1981M, T1992M, T2030M.
Identifiers: ClinVar variation 989489 (VCV000989489.4), dbSNP rs768874284, ClinGen allele CA6198933.

ClinVar aggregate classification (germline): Uncertain significance. Review status: criteria provided, single submitter (1 of 4 stars). 2 submissions from 2 submitters: Uncertain significance (1). 1 of the submissions does not count toward it. Last evaluated 2025-03-17.

Conditions:
Usher syndrome type 1B (USH1B). Also called: Usher syndrome type IB. Identifiers: MedGen C1848638, MONDO:0700087.

Allele frequency attached by ClinVar (database versions not stated): gnomAD 0.00003 and 0.00001; gnomAD exomes 0.00001; TOPMed 0.00002; ExAC 0.00003.
gnomAD v4.1: 24 of 1,592,570 alleles (0.0015%); highest among the groups gnomAD compares: East Asian, 0.0091%; no homozygotes.

Submissions (2):

Labcorp Genetics (formerly Invitae), Labcorp
Classification: Uncertain significance. Last evaluated: 2025-03-17. Review status: criteria provided, single submitter. Criteria: Invitae Variant Classification Sherloc (09022015). Collection method: clinical testing. Allele origin: germline.
Comment: This sequence change replaces threonine, which is neutral and polar, with methionine, which is neutral and non-polar, at codon 2030 of the MYO7A protein (p.Thr2030Met). The frequency data for this variant in the population databases is considered unreliable, as metrics indicate poor data quality at this position in the gnomAD database. This variant has not been reported in the literature in individuals affected with MYO7A-related conditions. ClinVar contains an entry for this variant (Variation ID: 989489). Invitae Evidence Modeling of protein sequence and biophysical properties (such as structural, functional, and spatial information, amino acid conservation, physicochemical variation, residue mobility, and thermodynamic stability) indicates that this missense variant is not expected to disrupt MYO7A protein function with a negative predictive value of 95%. In summary, the available evidence is currently insufficient to determine the role of this variant in disease. Therefore, it has been classified as a Variant of Uncertain Significance.

Natera, Inc.
Classification: Uncertain significance for Usher syndrome type 1B. Last evaluated: 2020-04-17. Review status: no assertion criteria provided. Collection method: clinical testing. Allele origin: germline. Not counted in ClinVar's aggregate classification.